The following is an entry in ClinVar:

ClinVar aggregate classification (germline): Uncertain significance (1 of 4 stars; one submission).

Conditions:
Autosomal recessive ataxia, Beauce type. Also called: SYNE1-Related Autosomal Recessive Cerebellar Ataxia; Spinocerebellar ataxia, autosomal recessive 8; ATAXIA, RECESSIVE, OF BEAUCE; SYNE1 Deficiency. Identifiers: Orphanet 88644, MedGen C1853116, MONDO:0012549, OMIM 610743.
Emery-Dreifuss muscular dystrophy 4, autosomal dominant (EDMD4). Also called: EMERY-DREIFUSS MUSCULAR DYSTROPHY 4 WITH VARIABLE FEATURES. Identifiers: Orphanet 261, MedGen C2751807, MONDO:0013071, OMIM 612998.

gnomAD v4.1: 1 of 1,613,886 alleles (0.000062%); highest among the groups gnomAD compares: African/African-American, 0.0013%; no homozygotes.

Submission:

Labcorp Genetics (formerly Invitae), Labcorp
Classification: Uncertain significance for Emery-Dreifuss muscular dystrophy 4, autosomal dominant; Autosomal recessive ataxia, Beauce type. Last evaluated: 2021-09-06. Review status: criteria provided, single submitter. Criteria: Invitae Variant Classification Sherloc (09022015). Collection method: clinical testing. Allele origin: germline.
Comment: In summary, the available evidence is currently insufficient to determine the role of this variant in disease. Therefore, it has been classified as a Variant of Uncertain Significance. Algorithms developed to predict the effect of missense changes on protein structure and function (SIFT, PolyPhen-2, Align-GVGD) all suggest that this variant is likely to be tolerated. This variant has not been reported in the literature in individuals affected with SYNE1-related conditions. This variant is not present in population databases (ExAC no frequency). This sequence change replaces alanine with glutamic acid at codon 5379 of the SYNE1 protein (p.Ala5379Glu). The alanine residue is moderately conserved and there is a moderate physicochemical difference between alanine and glutamic acid.

NM_182961.4(SYNE1):c.16349C>A (p.Ala5450Glu)

Gene: SYNE1 (spectrin repeat containing nuclear envelope protein 1; minus strand). Cytogenetic location: 6q25.2.
Variant type: single nucleotide variant.
Coding change: c.16349C>A on transcript NM_182961.4 (MANE Select); coding-DNA position 16349, C replaced by A.
Protein change: p.Ala5450Glu; replaces alanine 5450 with glutamic acid.
Molecular consequence: missense variant.
Genome position (GRCh38, 1-based): chr6:152,318,903, G>T on the plus strand (C>A on the coding strand, the complement: SYNE1 is on the minus strand). VCF-style: chr6-152318903-G-T. GRCh37 (hg19) VCF-style: chr6-152640038-G-T.
Other names: c.16136C>A, p.Ala5379Glu (NM_033071.5); short protein forms A5379E, A5450E.
Identifiers: ClinVar variation 1506449 (VCV001506449.6), dbSNP rs181649865, ClinGen allele CA366113218.